The following is an entry in ClinVar:

ClinVar aggregate classification (germline): Pathogenic. Review status: reviewed by expert panel (3 of 4 stars). 4 submissions from 4 submitters: Pathogenic (1). 3 of the submissions do not count toward it. Last evaluated 2025-01-09.

Conditions:
Neuromuscular disease caused by qualitative or quantitative defects of dysferlin. Also called: Qualitative or quantitative defects of dysferlin; Dysferlinopathy. Identifiers: Orphanet 207073, MedGen C2931687, MONDO:0016145.
Autosomal recessive limb-girdle muscular dystrophy. Identifiers: Orphanet 102015, MedGen C2931907, MONDO:0015152.
Miyoshi muscular dystrophy 1 (MMD1). Identifiers: Orphanet 45448, MedGen C4551973, MONDO:0024545, OMIM 254130.
Autosomal recessive limb-girdle muscular dystrophy type 2B (LGMDR2). Also called: Limb-girdle muscular dystrophy, type 2B; MUSCULAR DYSTROPHY, LIMB-GIRDLE, TYPE 3; Limb-Girdle Muscular Dystrophy Type 2B (LGMD2B); MUSCULAR DYSTROPHY, LIMB-GIRDLE, AUTOSOMAL RECESSIVE 2. Identifiers: Orphanet 268, MedGen C1850889, MONDO:0009676, OMIM 253601.
Distal myopathy with anterior tibial onset. Identifiers: Orphanet 178400, MedGen C1847532, MONDO:0011721, OMIM 606768.

Submissions (4):

ClinGen Limb Girdle Muscular Dystrophy Variant Curation Expert Panel, ClinGen
Classification: Pathogenic for Autosomal recessive limb-girdle muscular dystrophy. Last evaluated: 2025-01-09. Review status: reviewed by expert panel. Criteria: ClinGen LGMD VCEP ACMG Specifications DYSF V1.0.0. Collection method: curation. Allele origin: germline. Inheritance: Autosomal recessive inheritance.
Comment: The NM_003494.4: c.3220_3221delCT p.(Leu1074PheTer39) variant in DYSF, which is also known as NM_001130987.2: c.3274_3275del p.(Leu1092PhefsTer39), is a frameshift variant predicted to cause a premature stop codon in biologically relevant exon 30/55, leading to nonsense mediated decay in a gene in which loss of function is an established disease mechanism (PVS1). This variant has been detected in trans with a pathogenic variant in at least one patient with LGMD (c.1662C>T p.(Arg555Trp), 1.0 pt, PMID: 25591676) (PM3). At least one patient with this variant displayed progressive limb girdle muscle weakness and absent dysferlin protein expression, which is highly specific for DYSF-associated LGMD (PP4_Strong, PMID: 25591676). This variant is absent from gnomAD v2.1.1 and v3.1.2 (PM2_Supporting). In summary, this variant meets the criteria to be classified as Pathogenic for autosomal recessive limb girdle muscular dystrophy based on the ACMG/AMP criteria applied, as specified by the ClinGen LGMD VCEP (LGMD VCEP specifications version 1.0.0; 01/09/2025): PVS1, PM3, PP4_Strong, PM2_Supporting.

Baylor Genetics
Classification: Pathogenic for Miyoshi muscular dystrophy 1. Last evaluated: 2023-12-30. Review status: criteria provided, single submitter. Criteria: ACMG Guidelines, 2015. Collection method: clinical testing. Allele origin: unknown. Not counted in ClinVar's aggregate classification.

Labcorp Genetics (formerly Invitae), Labcorp
Classification: Pathogenic for Neuromuscular disease caused by qualitative or quantitative defects of dysferlin. Last evaluated: 2023-12-22. Review status: criteria provided, single submitter. Criteria: Invitae Variant Classification Sherloc (09022015). Collection method: clinical testing. Allele origin: germline. Not counted in ClinVar's aggregate classification.
Comment: This sequence change creates a premature translational stop signal (p.Leu1074Phefs*39) in the DYSF gene. It is expected to result in an absent or disrupted protein product. Loss-of-function variants in DYSF are known to be pathogenic (PMID: 17698709, 20301480). This variant is not present in population databases (gnomAD no frequency). This premature translational stop signal has been observed in individuals with dysferlinopathy-spectrum muscular dystrophy (PMID: 25591676). ClinVar contains an entry for this variant (Variation ID: 653601). For these reasons, this variant has been classified as Pathogenic.

Juno Genomics, Hangzhou Juno Genomics, Inc
Classification: Pathogenic for Miyoshi muscular dystrophy 1; Autosomal recessive limb-girdle muscular dystrophy type 2B; Distal myopathy with anterior tibial onset. Review status: criteria provided, single submitter. Criteria: ACMG Guidelines, 2015. Collection method: clinical testing. Allele origin: germline. Affected: yes. Not counted in ClinVar's aggregate classification.
Comment: Absent from controls (or at extremely low frequency if recessive) in Genome Aggregation Database, Exome Sequencing Project, 1000 Genomes Project, or Exome Aggregation Consortium.;Null variant in a gene where loss of function (LOF) is a known mechanism of disease.;For recessive disorders, detected in trans with a pathogenic variant.

Literature cited by the submitters: PubMed 17698709 (cited by Labcorp Genetics (formerly Invitae), Labcorp); PubMed 20301480 (cited by Labcorp Genetics (formerly Invitae), Labcorp); PubMed 25591676 (cited by Labcorp Genetics (formerly Invitae), Labcorp).

NM_001130987.2(DYSF):c.3274_3275del (p.Leu1092fs)

Gene: DYSF (dysferlin; plus strand). Cytogenetic location: 2p13.2.
Variant type: Microsatellite.
Coding change: c.3274_3275del on transcript NM_001130987.2 (MANE Select); coding-DNA positions 3274 to 3275, 2 bases deleted (CT; older notation c.3274_3275delCT).
Protein change: p.Leu1092fs; shifts the reading frame from leucine 1092.
Molecular consequence: frameshift variant.
Genome position (GRCh38, 1-based): chr2:71,574,243-71,574,244, CT deleted; deleting any 2 consecutive bases within chr2:71,574,239-71,574,244 gives the same sequence; the c. name uses the placement nearest the transcript's 3' end. VCF-style (leftmost placement, unchanged base first): chr2-71574238-CCT-C. GRCh37 (hg19) VCF-style: chr2-71801368-CCT-C.
Other names: NM_001130987.2(DYSF):c.3274_3275del; p.Leu1092fs; c.3223_3224del, p.Leu1075fs (NM_001130455.2, NM_001130983.2); c.3178_3179del, p.Leu1060fs (NM_001130976.2, NM_001130977.2); c.3220_3221del, p.Leu1074fs (NM_001130978.2, NM_003494.4); c.3313_3314del, p.Leu1105fs (NM_001130979.2); c.3271_3272del, p.Leu1091fs (NM_001130980.2, NM_001130981.2); c.3316_3317del, p.Leu1106fs (NM_001130982.2); and 2 more; short protein forms L1075fs, L1074fs, L1091fs, L1060fs, L1092fs, L1105fs, L1061fs, L1106fs.
Identifiers: ClinVar variation 653601 (VCV000653601.12), dbSNP rs1574097294, ClinGen allele CA915944059.